The following is an entry in ClinVar:

NM_145200.5(CABP4):c.485G>A (p.Gly162Asp)

Gene: CABP4 (calcium binding protein 4; plus strand). Cytogenetic location: 11q13.2.
Variant type: single nucleotide variant.
Coding change: c.485G>A on transcript NM_145200.5 (MANE Select); coding-DNA position 485, G replaced by A.
Protein change: p.Gly162Asp; replaces glycine 162 with aspartic acid.
Molecular consequence: missense variant.
Genome position (GRCh38, 1-based): chr11:67,456,386, G>A. VCF-style: chr11-67456386-G-A. GRCh37 (hg19) VCF-style: chr11-67223857-G-A.
Other names: c.170G>A, p.Gly57Asp (NM_001300895.3, NM_001300896.3, NM_001379183.1); short protein forms G162D, G57D.
Identifiers: ClinVar variation 933633 (VCV000933633.9), dbSNP rs1864799277, ClinGen allele CA381530413.

ClinVar aggregate classification (germline): Uncertain significance (1 of 4 stars; one submission).

Allele frequency attached by ClinVar (database versions not stated): gnomAD exomes below 0.00001; TOPMed below 0.00001.

Submission:

Labcorp Genetics (formerly Invitae), Labcorp
Classification: Uncertain significance. Last evaluated: 2024-06-06. Review status: criteria provided, single submitter. Criteria: Invitae Variant Classification Sherloc (09022015). Collection method: clinical testing. Allele origin: germline.
Comment: This sequence change replaces glycine, which is neutral and non-polar, with aspartic acid, which is acidic and polar, at codon 162 of the CABP4 protein (p.Gly162Asp). This variant is not present in population databases (gnomAD no frequency). This variant has not been reported in the literature in individuals affected with CABP4-related conditions. ClinVar contains an entry for this variant (Variation ID: 933633). Advanced modeling of protein sequence and biophysical properties (such as structural, functional, and spatial information, amino acid conservation, physicochemical variation, residue mobility, and thermodynamic stability) performed at Invitae indicates that this missense variant is expected to disrupt CABP4 protein function with a positive predictive value of 80%. In summary, the available evidence is currently insufficient to determine the role of this variant in disease. Therefore, it has been classified as a Variant of Uncertain Significance.